The following is an entry in ClinVar:

ClinVar aggregate classification (germline): Uncertain significance (1 of 4 stars; one submission).

Conditions:
Hereditary cancer-predisposing syndrome. Also called: Hereditary Cancer Syndrome; Tumor predisposition; Hereditary neoplastic syndrome; Neoplastic Syndromes, Hereditary. Identifiers: Orphanet 140162, MedGen C0027672, MeSH D009386, MONDO:0015356.

Submission:

Ambry Genetics
Classification: Uncertain significance for Hereditary cancer-predisposing syndrome. Last evaluated: 2024-05-08. Review status: criteria provided, single submitter. Criteria: Ambry Variant Classification Scheme 2023. Collection method: clinical testing. Allele origin: germline.
Comment: The p.S496P variant (also known as c.1486T>C), located in coding exon 6 of the BARD1 gene, results from a T to C substitution at nucleotide position 1486. The serine at codon 496 is replaced by proline, an amino acid with similar properties. This amino acid position is conserved. In addition, this alteration is predicted to be deleterious by in silico analysis. Based on the available evidence, the clinical significance of this variant remains unclear.

NM_000465.4(BARD1):c.1486T>C (p.Ser496Pro)

Gene: BARD1 (BRCA1 associated RING domain 1; minus strand). Cytogenetic location: 2q35.
Variant type: single nucleotide variant.
Coding change: c.1486T>C on transcript NM_000465.4 (MANE Select); coding-DNA position 1486, T replaced by C.
Protein change: p.Ser496Pro; replaces serine 496 with proline.
Molecular consequence: missense variant. On other transcripts: non-coding transcript variant (3), intron variant (3).
Genome position (GRCh38, 1-based): chr2:214,767,564, A>G on the plus strand (T>C on the coding strand, the complement: BARD1 is on the minus strand). VCF-style: chr2-214767564-A-G. GRCh37 (hg19) VCF-style: chr2-215632288-A-G.
Other names: c.1429T>C, p.Ser477Pro (NM_001282543.2); c.159-15009T>C (NM_001282548.2); c.216-15009T>C (NM_001282545.2); c.364+24733T>C (NM_001282549.2); short protein forms S496P, S477P.
Identifiers: ClinVar variation 3260405 (VCV003260405.1).